The following is an entry in ClinVar:

NM_000444.6(PHEX):c.1571C>T (p.Ala524Val)

Gene: PHEX (phosphate regulating endopeptidase X-linked; plus strand). Cytogenetic location: Xp22.11.
Variant type: single nucleotide variant.
Coding change: c.1571C>T on transcript NM_000444.6 (MANE Select); coding-DNA position 1571, C replaced by T.
Protein change: p.Ala524Val; replaces alanine 524 with valine.
Molecular consequence: missense variant.
Genome position (GRCh38, 1-based): chrX:22,178,361, C>T. VCF-style: chrX-22178361-C-T. GRCh37 (hg19) VCF-style: chrX-22196478-C-T.
Other names: c.1571C>T, p.Ala524Val (NM_001282754.2); c.1571C>T (NM_000444.4, NM_000444.5); short protein forms A524V.
Identifiers: ClinVar variation 3683104 (VCV003683104.4).
Genomic context (GRCh38, chrX:22,178,361, plus strand): 5'-GCAACGTCCTACAAACTCGCAAGTATTTAGCACAGTCTGATTTCTTCTGGCTAAGAAAAG[C>T]CGTTCCAAAAACAGAGTGAGTATTAAACAAAAAAAGTTAAATAGATAAATACATTGGTGA-3'
Protein context (NP_000435.3, residues 514-534): AQSDFFWLRK[Ala524Val]VPKTEWFTNP

ClinVar aggregate classification (germline): Uncertain significance. Review status: criteria provided, multiple submitters, no conflicts (2 of 4 stars). 3 submissions from 3 submitters: Uncertain significance (3). Last evaluated 2026-01-26.

Conditions:
Inborn genetic diseases. Identifiers: MedGen C0950123, MeSH D030342.
PHEX-related disorder. Also called: PHEX-related condition.

Submissions (3):

Ambry Genetics
Classification: Uncertain significance for Inborn genetic diseases. Last evaluated: 2026-01-26. Review status: criteria provided, single submitter. Criteria: Ambry Variant Classification Scheme 2023. Collection method: clinical testing. Allele origin: germline.

Labcorp Genetics (formerly Invitae), Labcorp
Classification: Uncertain significance. Last evaluated: 2025-07-07. Review status: criteria provided, single submitter. Criteria: Invitae Variant Classification Sherloc (09022015). Collection method: clinical testing. Allele origin: germline.
Comment: This sequence change replaces alanine, which is neutral and non-polar, with valine, which is neutral and non-polar, at codon 524 of the PHEX protein (p.Ala524Val). This variant is not present in population databases (gnomAD no frequency). This variant has not been reported in the literature in individuals affected with PHEX-related conditions. ClinVar contains an entry for this variant (Variation ID: 3683104). Invitae Evidence Modeling of protein sequence and biophysical properties (such as structural, functional, and spatial information, amino acid conservation, physicochemical variation, residue mobility, and thermodynamic stability) has been performed for this missense variant. However, the output from this modeling did not meet the statistical confidence thresholds required to predict the impact of this variant on PHEX protein function. In summary, the available evidence is currently insufficient to determine the role of this variant in disease. Therefore, it has been classified as a Variant of Uncertain Significance.

PreventionGenetics, part of Exact Sciences
Classification: Uncertain significance for PHEX-related condition. Last evaluated: 2024-12-13. Review status: criteria provided, single submitter. Criteria: ACMG Guidelines, 2015. Collection method: clinical testing. Allele origin: germline.
Comment: The PHEX c.1571C>T variant is predicted to result in the amino acid substitution p.Ala524Val. To our knowledge, this variant has not been reported in the literature or in a large population database (gnomAD), indicating this variant is rare. At this time, the clinical significance of this variant is uncertain due to the absence of conclusive functional and genetic evidence.